The following is an entry in ClinVar:

NM_001943.5(DSG2):c.3158C>G (p.Pro1053Arg)

Genes: DSG2 (desmoglein 2; plus strand), DSG2-AS1 (DSG2 antisense RNA 1; minus strand). Cytogenetic location: 18q12.1.
Variant type: single nucleotide variant.
Coding change: c.3158C>G on transcript NM_001943.5 (MANE Select); coding-DNA position 3158, C replaced by G.
Protein change: p.Pro1053Arg; replaces proline 1053 with arginine.
Molecular consequence: missense variant.
Genome position (GRCh38, 1-based): chr18:31,546,544, C>G. VCF-style: chr18-31546544-C-G. GRCh37 (hg19) VCF-style: chr18-29126507-C-G.
Other names: short protein forms P1053R.
Identifiers: ClinVar variation 2187881 (VCV002187881.4), dbSNP rs2510922783, ClinGen allele CA402148740.

ClinVar aggregate classification (germline): Uncertain significance (1 of 4 stars; one submission).

Conditions:
Arrhythmogenic right ventricular dysplasia 10. Also called: Arrhythmogenic right ventricular dysplasia/cardiomyopathy, type 10; Arrhythmogenic Right Ventricular Dysplasia/Cardiomyopathy10; ARRHYTHMOGENIC RIGHT VENTRICULAR DYSPLASIA, FAMILIAL, 10. Identifiers: MedGen C1857777, MONDO:0012434, OMIM 610193.

Submission:

Labcorp Genetics (formerly Invitae), Labcorp
Classification: Uncertain significance for Arrhythmogenic right ventricular dysplasia 10. Last evaluated: 2022-09-13. Review status: criteria provided, single submitter. Criteria: Invitae Variant Classification Sherloc (09022015). Collection method: clinical testing. Allele origin: germline.
Comment: This variant is not present in population databases (gnomAD no frequency). This sequence change replaces proline, which is neutral and non-polar, with arginine, which is basic and polar, at codon 1053 of the DSG2 protein (p.Pro1053Arg). This variant has not been reported in the literature in individuals affected with DSG2-related conditions. Advanced modeling of protein sequence and biophysical properties (such as structural, functional, and spatial information, amino acid conservation, physicochemical variation, residue mobility, and thermodynamic stability) performed at Invitae indicates that this missense variant is not expected to disrupt DSG2 protein function. In summary, the available evidence is currently insufficient to determine the role of this variant in disease. Therefore, it has been classified as a Variant of Uncertain Significance.